The following is an entry in ClinVar:

ClinVar aggregate classification (germline): Uncertain significance. Review status: criteria provided, multiple submitters, no conflicts (2 of 4 stars). 2 submissions from 2 submitters: Uncertain significance (2). Last evaluated 2024-09-17.

Allele frequency attached by ClinVar (database versions not stated): TOPMed below 0.00001; gnomAD 0.00001.

Submissions (2):

Labcorp Genetics (formerly Invitae), Labcorp
Classification: Uncertain significance. Last evaluated: 2024-09-17. Review status: criteria provided, single submitter. Criteria: Invitae Variant Classification Sherloc (09022015). Collection method: clinical testing. Allele origin: germline.
Comment: This sequence change replaces alanine, which is neutral and non-polar, with serine, which is neutral and polar, at codon 991 of the ADCY10 protein (p.Ala991Ser). This variant is present in population databases (no rsID available, gnomAD 0.01%). This variant has not been reported in the literature in individuals affected with ADCY10-related conditions. An algorithm developed to predict the effect of missense changes on protein structure and function outputs the following: PolyPhen-2: "Benign". The serine amino acid residue is found in multiple mammalian species, which suggests that this missense change does not adversely affect protein function. In summary, the available evidence is currently insufficient to determine the role of this variant in disease. Therefore, it has been classified as a Variant of Uncertain Significance.

Revvity Omics, Revvity
Classification: Uncertain significance. Last evaluated: 2023-02-02. Review status: criteria provided, single submitter. Criteria: ACMG Guidelines, 2015. Collection method: clinical testing. Allele origin: germline.

NM_018417.6(ADCY10):c.2971G>T (p.Ala991Ser)

Gene: ADCY10 (adenylate cyclase 10; minus strand). Cytogenetic location: 1q24.2.
Variant type: single nucleotide variant.
Coding change: c.2971G>T on transcript NM_018417.6 (MANE Select); coding-DNA position 2971, G replaced by T.
Protein change: p.Ala991Ser; replaces alanine 991 with serine.
Molecular consequence: missense variant.
Genome position (GRCh38, 1-based): chr1:167,845,599, C>A on the plus strand (G>T on the coding strand, the complement: ADCY10 is on the minus strand). VCF-style: chr1-167845599-C-A. GRCh37 (hg19) VCF-style: chr1-167814837-C-A.
Other names: c.2512G>T, p.Ala838Ser (NM_001167749.3); c.2695G>T, p.Ala899Ser (NM_001297772.2); short protein forms A838S, A899S, A991S.
Identifiers: ClinVar variation 2690844 (VCV002690844.4), dbSNP rs1385104058, ClinGen allele CA343079826.